The following is an entry in ClinVar:

ClinVar aggregate classification (germline): Uncertain significance (1 of 4 stars; one submission).

Conditions:
Inborn genetic diseases. Identifiers: MedGen C0950123, MeSH D030342.

Allele frequency attached by ClinVar (database versions not stated): gnomAD exomes below 0.00001.
gnomAD v4.1: 1 of 1,614,168 alleles (0.000062%); highest among the groups gnomAD compares: Non-Finnish European, 0.000085%; no homozygotes.

Submission:

Ambry Genetics
Classification: Uncertain significance for Inborn genetic diseases. Last evaluated: 2019-09-16. Review status: criteria provided, single submitter. Criteria: Ambry Variant Classification Scheme 2023. Collection method: clinical testing. Allele origin: germline.
Comment: The p.S2507A variant (also known as c.7519T>G), located in coding exon 24 of the SETX gene, results from a T to G substitution at nucleotide position 7519. The serine at codon 2507 is replaced by alanine, an amino acid with similar properties. This amino acid position is well conserved in available vertebrate species. In addition, this alteration is predicted to be tolerated by in silico analysis. Since supporting evidence is limited at this time, the clinical significance of this alteration remains unclear.

NM_015046.7(SETX):c.7519T>G (p.Ser2507Ala)

Gene: SETX (senataxin; minus strand). Cytogenetic location: 9q34.13.
Variant type: single nucleotide variant.
Coding change: c.7519T>G on transcript NM_015046.7 (MANE Select); coding-DNA position 7519, T replaced by G.
Protein change: p.Ser2507Ala; replaces serine 2507 with alanine.
Molecular consequence: missense variant.
Genome position (GRCh38, 1-based): chr9:132,264,754, A>C on the plus strand (T>G on the coding strand, the complement: SETX is on the minus strand). VCF-style: chr9-132264754-A-C. GRCh37 (hg19) VCF-style: chr9-135140141-A-C.
Other names: c.7519T>G, p.Ser2507Ala (NM_001351527.2); c.7606T>G, p.Ser2536Ala (NM_001351528.2); short protein forms S2507A, S2536A.
Identifiers: ClinVar variation 1759311 (VCV001759311.2), dbSNP rs2538821804, ClinGen allele CA375325029.